The following is an entry in ClinVar:

NM_001388492.1(HTT):c.1515G>A (p.Leu505=)

Gene: HTT (huntingtin; plus strand). Cytogenetic location: 4p16.3.
Variant type: single nucleotide variant.
Coding change: c.1515G>A on transcript NM_001388492.1 (MANE Select); coding-DNA position 1515, G replaced by A.
Protein change: p.Leu505=; no amino-acid change (leucine 505 retained).
Molecular consequence: synonymous variant.
Genome position (GRCh38, 1-based): chr4:3,127,376, G>A. VCF-style: chr4-3127376-G-A. GRCh37 (hg19) VCF-style: chr4-3129103-G-A.
Other names: c.1521G>A, p.Leu507= (NM_002111.8).
Identifiers: ClinVar variation 3036195 (VCV003036195.1), dbSNP rs2475963347, ClinGen allele CA438120457.
Genomic context (GRCh38, chr4:3,127,376, plus strand): 5'-CACTCCAGGGTCAGCAGGTCATGACATCATCACAGAACAGCCACGGTCACAGCACACACT[G>A]CAGGCGGACTCAGTGGATCTGGCCAGCTGTGACTTGACAAGCTCTGCCACTGATGGGGAT-3'
Protein context (NP_001375421.1, residues 495-515): ITEQPRSQHT[Leu505=]QADSVDLASC

ClinVar aggregate classification (germline): Likely benign (1 of 4 stars; one submission).

Conditions:
HTT-related disorder. Also called: HTT-related condition.

Submission:

PreventionGenetics, part of Exact Sciences
Classification: Likely benign for HTT-related condition. Last evaluated: 2020-11-17. Review status: criteria provided, single submitter. Criteria: ACMG Guidelines, 2015. Collection method: clinical testing. Allele origin: germline.
Comment: This variant is classified as likely benign based on ACMG/AMP sequence variant interpretation guidelines (Richards et al. 2015 PMID: 25741868, with internal and published modifications).